The following is an entry in ClinVar:

ClinVar aggregate classification (germline): Pathogenic (1 of 4 stars; one submission).

Conditions:
BAP1-related tumor predisposition syndrome (TPDS1). Also called: Tumor susceptibility linked to germline BAP1 mutations; COMMON Syndrome; TUMOR PREDISPOSITION SYNDROME 1; BAP1 tumor predisposition syndrome. Identifiers: Orphanet 289539, MedGen C3280492, MONDO:0013692, OMIM 614327.

Submission:

Labcorp Genetics (formerly Invitae), Labcorp
Classification: Pathogenic for BAP1-related tumor predisposition syndrome. Last evaluated: 2021-01-14. Review status: criteria provided, single submitter. Criteria: Invitae Variant Classification Sherloc (09022015). Collection method: clinical testing. Allele origin: germline.
Comment: For these reasons, this variant has been classified as Pathogenic. This variant has not been reported in the literature in individuals with BAP1-related conditions. This variant is not present in population databases (ExAC no frequency). This sequence change creates a premature translational stop signal (p.Gln593Argfs*24) in the BAP1 gene. It is expected to result in an absent or disrupted protein product. Loss-of-function variants in BAP1 are known to be pathogenic (PMID: 21874000, 23684012).

Literature cited by the submitters: PubMed 21874000; PubMed 23684012.

NM_004656.4(BAP1):c.1778del (p.Gln593fs)

Gene: BAP1 (BRCA1 associated deubiquitinase 1; minus strand). Cytogenetic location: 3p21.1.
Variant type: Deletion.
Coding change: c.1778del on transcript NM_004656.4 (MANE Select); coding-DNA position 1778, one base deleted (A; older notation c.1778delA).
Protein change: p.Gln593fs; shifts the reading frame from glutamine 593.
Molecular consequence: frameshift variant.
Genome position (GRCh38, 1-based): chr3:52,403,250, T deleted on the plus strand (A on the coding strand, the reverse complement: BAP1 is on the minus strand). VCF-style (leftmost placement, unchanged base first): chr3-52403249-CT-C. GRCh37 (hg19) VCF-style: chr3-52437265-CT-C.
Other names: short protein forms Q593fs.
Identifiers: ClinVar variation 1362781 (VCV001362781.6), dbSNP rs2153226493, ClinGen allele CA2573137310.
Genomic context (GRCh38, chr3:52,403,249, plus strand): 5'-CGTCTTCTCTCTGCTGTCCGTGGCTTCCACGACCTCCTTCTCCACTGGGCTGCTGGACCC[CT>C]GGCTGCCTTGGATTGGTCTGATGGAGGGCGAGGAACCCTTCCCACCCTCTGGGAAGAGAG-3'